The following is an entry in ClinVar:

NM_001099271.2(POC5):c.1101G>T (p.Met367Ile)

Gene: POC5 (POC5 centriolar protein; minus strand). Cytogenetic location: 5q13.3.
Variant type: single nucleotide variant.
Coding change: c.1101G>T on transcript NM_001099271.2 (MANE Select); coding-DNA position 1101, G replaced by T.
Protein change: p.Met367Ile; replaces methionine 367 with isoleucine.
Molecular consequence: missense variant.
Genome position (GRCh38, 1-based): chr5:75,689,040, C>A on the plus strand (G>T on the coding strand, the complement: POC5 is on the minus strand). VCF-style: chr5-75689040-C-A. GRCh37 (hg19) VCF-style: chr5-74984865-C-A.
Other names: c.1026G>T, p.Met342Ile (NM_152408.3); short protein forms M342I, M367I.
Identifiers: ClinVar variation 2174892 (VCV002174892.4), dbSNP rs749380864, ClinGen allele CA3310409.

ClinVar aggregate classification (germline): Uncertain significance (1 of 4 stars; one submission).

Allele frequency attached by ClinVar (database versions not stated): ExAC 0.00001; TOPMed 0.00002; gnomAD 0.00003.
gnomAD v4.1: 16 of 1,588,116 alleles (0.001%); highest among the groups gnomAD compares: Middle Eastern, 0.067%; no homozygotes.

Submission:

Labcorp Genetics (formerly Invitae), Labcorp
Classification: Uncertain significance. Last evaluated: 2023-12-22. Review status: criteria provided, single submitter. Criteria: Invitae Variant Classification Sherloc (09022015). Collection method: clinical testing. Allele origin: germline.
Comment: This sequence change replaces methionine, which is neutral and non-polar, with isoleucine, which is neutral and non-polar, at codon 367 of the POC5 protein (p.Met367Ile). This variant is present in population databases (rs749380864, gnomAD 0.01%). This variant has not been reported in the literature in individuals affected with POC5-related conditions. ClinVar contains an entry for this variant (Variation ID: 2174892). An algorithm developed to predict the effect of missense changes on protein structure and function (PolyPhen-2) suggests that this variant is likely to be disruptive. In summary, the available evidence is currently insufficient to determine the role of this variant in disease. Therefore, it has been classified as a Variant of Uncertain Significance.